The following is an entry in ClinVar:

ClinVar aggregate classification (germline): Uncertain significance (1 of 4 stars; one submission).

Submission:

Labcorp Genetics (formerly Invitae), Labcorp
Classification: Uncertain significance. Last evaluated: 2021-06-06. Review status: criteria provided, single submitter. Criteria: Invitae Variant Classification Sherloc (09022015). Collection method: clinical testing. Allele origin: germline.
Comment: This sequence change replaces proline with arginine at codon 224 of the DTNBP1 protein (p.Pro224Arg). The proline residue is highly conserved and there is a moderate physicochemical difference between proline and arginine. This variant is not present in population databases (ExAC no frequency). This variant has not been reported in the literature in individuals with DTNBP1-related conditions. Algorithms developed to predict the effect of missense changes on protein structure and function (SIFT, PolyPhen-2, Align-GVGD) all suggest that this variant is likely to be disruptive, but these predictions have not been confirmed by published functional studies and their clinical significance is uncertain. In summary, the available evidence is currently insufficient to determine the role of this variant in disease. Therefore, it has been classified as a Variant of Uncertain Significance.

NM_032122.5(DTNBP1):c.671C>G (p.Pro224Arg)

Gene: DTNBP1 (dystrobrevin binding protein 1; minus strand). Cytogenetic location: 6p22.3.
Variant type: single nucleotide variant.
Coding change: c.671C>G on transcript NM_032122.5 (MANE Select); coding-DNA position 671, C replaced by G.
Protein change: p.Pro224Arg; replaces proline 224 with arginine.
Molecular consequence: missense variant. On other transcripts: non-coding transcript variant (1).
Genome position (GRCh38, 1-based): chr6:15,524,666, G>C on the plus strand (C>G on the coding strand, the complement: DTNBP1 is on the minus strand). VCF-style: chr6-15524666-G-C. GRCh37 (hg19) VCF-style: chr6-15524897-G-C.
Other names: c.428C>G, p.Pro143Arg (NM_001271667.2); c.620C>G, p.Pro207Arg (NM_001271668.2); c.566C>G, p.Pro189Arg (NM_001271669.2); c.671C>G, p.Pro224Arg (NM_183040.2); short protein forms P189R, P143R, P207R, P224R.
Identifiers: ClinVar variation 1497048 (VCV001497048.8), dbSNP rs1482533048, ClinGen allele CA362806552.